The following is an entry in ClinVar:

NM_206933.4(USH2A):c.848+5G>C

Gene: USH2A (usherin; minus strand). Cytogenetic location: 1q41.
Variant type: single nucleotide variant.
Coding change: c.848+5G>C on transcript NM_206933.4 (MANE Select); 5 bases into the intron after coding-DNA position 848, G replaced by C.
Molecular consequence: intron variant.
Genome position (GRCh38, 1-based): chr1:216,327,586, C>G on the plus strand (G>C on the coding strand, the complement: USH2A is on the minus strand). VCF-style: chr1-216327586-C-G. GRCh37 (hg19) VCF-style: chr1-216500928-C-G.
Other names: c.848+5G>C (NM_007123.6).
Identifiers: ClinVar variation 48602 (VCV000048602.47), dbSNP rs74329863, ClinGen allele CA143629.

ClinVar aggregate classification (germline): Benign/Likely benign. Review status: criteria provided, multiple submitters, no conflicts (2 of 4 stars). 11 submissions from 9 submitters: Benign (9); Likely benign (1). 1 of the submissions does not count toward it. Last evaluated 2026-06-01.

Conditions:
Retinitis pigmentosa 39 (RP39). Identifiers: Orphanet 791, MedGen C3151138, MONDO:0013436, OMIM 613809.
Usher syndrome type 2A. Also called: USHER SYNDROME, TYPE IIA; RETINAL DISEASE IN USHER SYNDROME TYPE IIA, MODIFIER OF. Identifiers: Orphanet 231178, Orphanet 886, MedGen C1848634, MONDO:0010169, OMIM 276901.
Retinitis pigmentosa (RP). Identifiers: Orphanet 791, MedGen C0035334, MeSH D012174, MONDO:0019200, OMIM 268000. Inheritance: Autosomal dominant, autosomal recessive and X linked inheritance.

Allele frequency attached by ClinVar (database versions not stated): ESP Exome Variant Server 0.00630; gnomAD 0.00641 and 0.00651; TOPMed 0.00755; 1000 Genomes Project 30x 0.01280; 1000 Genomes Project 0.01298; gnomAD exomes 0.00155 and 0.00399; ExAC 0.00416.
gnomAD v4.1: 3,482 of 1,613,076 alleles (0.22%); highest among the groups gnomAD compares: East Asian, 3.2%; 41 homozygotes.

Submissions (13):

CeGaT Center for Human Genetics Tuebingen
Classification: Likely benign. Last evaluated: 2026-06-01. Review status: criteria provided, single submitter. Criteria: CeGaT Center For Human Genetics Tuebingen Variant Classification Criteria Version 2. Collection method: clinical testing. Allele origin: germline. Affected: yes. Observed: 5 variant alleles.
Comment: USH2A: BP4

Labcorp Genetics (formerly Invitae), Labcorp
Classification: Benign. Last evaluated: 2026-02-04. Review status: criteria provided, single submitter. Criteria: Invitae Variant Classification Sherloc (09022015). Collection method: clinical testing. Allele origin: germline.

Genome-Nilou Lab
Classification: Benign for Retinitis pigmentosa 39. Last evaluated: 2023-04-11. Review status: criteria provided, single submitter. Criteria: ACMG Guidelines, 2015. Collection method: clinical testing. Allele origin: germline. Affected: no.

Genome-Nilou Lab
Classification: Benign for Usher syndrome type 2A. Last evaluated: 2023-04-11. Review status: criteria provided, single submitter. Criteria: ACMG Guidelines, 2015. Collection method: clinical testing. Allele origin: germline. Affected: no.

Fulgent Genetics
Classification: Benign for Usher syndrome type 2A; Retinitis pigmentosa 39. Last evaluated: 2022-04-19. Review status: criteria provided, single submitter. Criteria: ACMG Guidelines, 2015. Collection method: clinical testing. Allele origin: unknown.

Illumina Laboratory Services, Illumina
Classification: Benign for Usher syndrome type 2A. Last evaluated: 2017-04-27. Review status: criteria provided, single submitter. Criteria: ICSL Variant Classification Criteria 13 December 2019. Collection method: clinical testing. Allele origin: germline.
Comment: This variant was observed as part of a predisposition screen in an ostensibly healthy population. A literature search was performed for the gene, cDNA change, and amino acid change (where applicable). Publications were found based on this search. The evidence from the literature, in combination with allele frequency data from public databases where available, was sufficient to rule this variant out of causing disease. Therefore, this variant is classified as benign.

Illumina Laboratory Services, Illumina
Classification: Benign for Retinitis pigmentosa. Last evaluated: 2017-04-27. Review status: criteria provided, single submitter. Criteria: ICSL Variant Classification Criteria 13 December 2019. Collection method: clinical testing. Allele origin: germline.
Comment: This variant was observed as part of a predisposition screen in an ostensibly healthy population. A literature search was performed for the gene, cDNA change, and amino acid change (where applicable). No publications were found based on this search. Allele frequency data from public databases was too high to be consistent with this variant causing disease. Therefore, this variant is classified as benign.

GeneDx
Classification: Benign. Last evaluated: 2015-03-03. Review status: criteria provided, single submitter. Criteria: GeneDx Variant Classification Process June 2021. Collection method: clinical testing. Allele origin: germline. Affected: yes.
Comment: This variant is associated with the following publications: (PMID: 29625443)

Laboratory for Molecular Medicine, Mass General Brigham Personalized Medicine
Classification: Benign. Last evaluated: 2011-02-01. Review status: criteria provided, single submitter. Criteria: LMM Criteria. Collection method: clinical testing. Allele origin: germline. Observed: 17 variant alleles.
Comment: 848+5G>C in intron 5 of USH2A: This variant is not expected to have clinical sig nificance because it has been identified with a frequency of 3.4% in the East As ian population (208 chromosomes) and a frequency of 2.5% in the West African pop ulation (118 chromosomes) (rs74329863). In addition, this variant has been ident ified in 2/15 (13/3%) of Asian individuals tested by our laboratory, one of whic h is homozygous for a pathogenic MYO7A variant. Furthermore, the 848+5G>C varian t is located in the 5' splice region but does not affect the invariant +1 and +2 positions.

Breakthrough Genomics
Classification: Benign. Review status: criteria provided, single submitter. Criteria: ACMG Guidelines, 2015. Collection method: not provided. Allele origin: germline. Inheritance: Autosomal recessive inheritance. Affected: yes.

Natera, Inc.
Classification: Benign for Usher syndrome type 2A. Last evaluated: 2020-09-16. Review status: no assertion criteria provided. Collection method: clinical testing. Allele origin: germline. Not counted in ClinVar's aggregate classification.

Dr. Peter K. Rogan Lab, Western University
No classification provided (evidence only). Condition: Familial pancreatic carcinoma. Review status: no classification provided. Collection method: in vitro. Allele origin: not applicable. Functional consequence: retained intron. Not counted in ClinVar's aggregate classification.

Dr. Peter K. Rogan Lab, Western University
No classification provided (evidence only). Condition: Ovarian cancer. Review status: no classification provided. Collection method: in vitro. Allele origin: not applicable. Functional consequence: retained intron. Not counted in ClinVar's aggregate classification.

Literature cited by the submitters: PubMed 19737284 (cited by Illumina Laboratory Services, Illumina).